The following is an entry in ClinVar:

NM_004958.4(MTOR):c.1892C>T (p.Thr631Ile)

Gene: MTOR (mechanistic target of rapamycin kinase; minus strand). Cytogenetic location: 1p36.22.
Variant type: single nucleotide variant.
Coding change: c.1892C>T on transcript NM_004958.4 (MANE Select); coding-DNA position 1892, C replaced by T.
Protein change: p.Thr631Ile; replaces threonine 631 with isoleucine.
Molecular consequence: missense variant.
Genome position (GRCh38, 1-based): chr1:11,238,512, G>A on the plus strand (C>T on the coding strand, the complement: MTOR is on the minus strand). VCF-style: chr1-11238512-G-A. GRCh37 (hg19) VCF-style: chr1-11298569-G-A.
Other names: c.1892C>T, p.Thr631Ile (NM_001386500.1); c.644C>T, p.Thr215Ile (NM_001386501.1); short protein forms T215I, T631I.
Identifiers: ClinVar variation 2638229 (VCV002638229.24), dbSNP rs1469897317, ClinGen allele CA338389586.

ClinVar aggregate classification (germline): Uncertain significance (1 of 4 stars; one submission).

Allele frequency attached by ClinVar (database versions not stated): TOPMed below 0.00001; gnomAD 0.00001; gnomAD exomes 0.00001.
gnomAD v4.1: 4 of 1,614,126 alleles (0.00025%); highest among the groups gnomAD compares: Non-Finnish European, 0.00034%; no homozygotes.

Submission:

CeGaT Center for Human Genetics Tuebingen
Classification: Uncertain significance. Last evaluated: 2022-07-01. Review status: criteria provided, single submitter. Criteria: CeGaT Center For Human Genetics Tuebingen Variant Classification Criteria Version 2. Collection method: clinical testing. Allele origin: germline. Affected: yes. Observed: 1 variant allele.
Comment: MTOR: PP2